The following is an entry in ClinVar:

ClinVar aggregate classification (germline): Likely pathogenic (3 of 4 stars; one submission).

Conditions:
Glanzmann thrombasthenia. Also called: THROMBASTHENIA OF GLANZMANN AND NAEGELI; BLEEDING DISORDER, PLATELET-TYPE, 2; Thrombasthenia; PLATELET GLYCOPROTEIN IIb-IIIa DEFICIENCY; Glanzmann's thrombasthenia. Identifiers: Orphanet 849, MedGen C0040015, MONDO:0100326.

Submission:

ClinGen Platelet Disorders Variant Curation Expert Panel, ClinGen
Classification: Likely pathogenic for Glanzmann thrombasthenia. Last evaluated: 2024-08-20. Review status: reviewed by expert panel. Criteria: ClinGen Platelet ACMG Specifications v2-1. Collection method: curation. Allele origin: germline. Inheritance: Autosomal recessive inheritance.
Comment: The NM_000212.3(ITGB3):c.2147G>T (p.Gly716Val) missense has been identified in at least 1 proband, GT23 of PMID: 29675921 meeting the criteria for PP4_strong, including mucocutaneous bleeding, impaired aggregation with all agonists except ristocetin, and reduced surface expression of αIIbβ3 measured by flow cytometry. ITGA2B and ITGB3 were sequenced across all exons and intron/exon boundaries. This variant is absent from gnomAD v4.1.0 (PM2_Supporting). GT23 of PMID: 29675921 is compound heterozygous for Gly716Val and Tyr660Ter (classified Pathogenic by the PD-VCEP; PM3_supporting). The computational predictor REVEL gives a score of 0.802, which predicts a damaging effect on ITGB3 function (PP3). In summary, this variant meets the criteria to be classified as Likely Pathogenic for autosomal recessive Glanzmann Thrombasthenia based on the ACMG/AMP criteria applied, as specified by the ClinGen PD VCEP: PM2_supporting, PM3_supporting, PP3, PP4_strong. (VCEP specifications version 2; date of approval xx/xx/xxxx)

NM_000212.3(ITGB3):c.2147G>T (p.Gly716Val)

Genes: EFCAB13-DT (EFCAB13 divergent transcript; minus strand), ITGB3 (integrin subunit beta 3; plus strand). Cytogenetic location: 17q21.32.
Variant type: single nucleotide variant.
Coding change: c.2147G>T on transcript NM_000212.3 (MANE Select); coding-DNA position 2147, G replaced by T.
Protein change: p.Gly716Val; replaces glycine 716 with valine.
Molecular consequence: missense variant.
Genome position (GRCh38, 1-based): chr17:47,307,483, G>T. VCF-style: chr17-47307483-G-T. GRCh37 (hg19) VCF-style: chr17-45384849-G-T.
Other names: NM_000212.3:c.2147G>T; short protein forms G716V.
Identifiers: ClinVar variation 1330333 (VCV001330333.2), dbSNP rs1205019601, ClinGen allele CA400033923.